The following is an entry in ClinVar:

NM_001243133.2(NLRP3):c.3058C>A (p.Gln1020Lys)

Gene: NLRP3 (NLR family pyrin domain containing 3; plus strand). Cytogenetic location: 1q44.
Variant type: single nucleotide variant.
Coding change: c.3058C>A on transcript NM_001243133.2 (MANE Select); coding-DNA position 3058, C replaced by A.
Protein change: p.Gln1020Lys; replaces glutamine 1020 with lysine.
Molecular consequence: missense variant.
Genome position (GRCh38, 1-based): chr1:247,448,457, C>A. VCF-style: chr1-247448457-C-A. GRCh37 (hg19) VCF-style: chr1-247611759-C-A.
Other names: c.3058C>A, p.Gln1020Lys (NM_001079821.3); c.2887C>A, p.Gln963Lys (NM_001127461.3, NM_001127462.3); c.3064C>A, p.Gln1022Lys (NM_004895.5); c.2716C>A, p.Gln906Lys (NM_183395.3); short protein forms Q1020K, Q1022K, Q906K, Q963K.
Identifiers: ClinVar variation 3668243 (VCV003668243.2).

ClinVar aggregate classification (germline): Uncertain significance (1 of 4 stars; one submission).

Conditions:
Cryopyrin associated periodic syndrome (CAPS). Identifiers: Orphanet 208650, MedGen C2316212, MONDO:0016168.

Submission:

Labcorp Genetics (formerly Invitae), Labcorp
Classification: Uncertain significance for Cryopyrin associated periodic syndrome. Last evaluated: 2025-01-06. Review status: criteria provided, single submitter. Criteria: Invitae Variant Classification Sherloc (09022015). Collection method: clinical testing. Allele origin: germline.
Comment: This sequence change replaces glutamine, which is neutral and polar, with lysine, which is basic and polar, at codon 1022 of the NLRP3 protein (p.Gln1022Lys). This variant is not present in population databases (gnomAD no frequency). This variant has not been reported in the literature in individuals affected with NLRP3-related conditions. Invitae Evidence Modeling of protein sequence and biophysical properties (such as structural, functional, and spatial information, amino acid conservation, physicochemical variation, residue mobility, and thermodynamic stability) indicates that this missense variant is not expected to disrupt NLRP3 protein function with a negative predictive value of 95%. In summary, the available evidence is currently insufficient to determine the role of this variant in disease. Therefore, it has been classified as a Variant of Uncertain Significance.